The following is an entry in ClinVar:

ClinVar aggregate classification (germline): Uncertain significance. Review status: criteria provided, multiple submitters, no conflicts (2 of 4 stars). 3 submissions from 3 submitters: Uncertain significance (3). Last evaluated 2024-03-17.

Conditions:
Inborn genetic diseases. Identifiers: MedGen C0950123, MeSH D030342.
Progressive myoclonic epilepsy. Also called: Myoclonic Epilepsies, Progressive; Familial progressive myoclonic epilepsy; Myoclonus epilepsy; Progressive myoclonus epilepsy. Identifiers: Orphanet 308, Orphanet 98261, MedGen C0751778, MONDO:0020074.

Allele frequency attached by ClinVar (database versions not stated): gnomAD exomes 0.00002; TOPMed 0.00007.
gnomAD v4.1: 32 of 1,255,480 alleles (0.0025%); highest among the groups gnomAD compares: Admixed American, 0.0063%; 1 homozygote.

Submissions (3):

GeneDx
Classification: Uncertain significance. Last evaluated: 2024-03-17. Review status: criteria provided, single submitter. Criteria: GeneDx Variant Classification Process June 2021. Collection method: clinical testing. Allele origin: germline. Affected: yes.
Comment: Not observed at significant frequency in large population cohorts (gnomAD); In silico analysis supports that this missense variant does not alter protein structure/function; Has not been previously published as pathogenic or benign to our knowledge

Labcorp Genetics (formerly Invitae), Labcorp
Classification: Uncertain significance for Progressive myoclonic epilepsy. Last evaluated: 2022-07-26. Review status: criteria provided, single submitter. Criteria: Invitae Variant Classification Sherloc (09022015). Collection method: clinical testing. Allele origin: germline.
Comment: This sequence change replaces arginine, which is basic and polar, with leucine, which is neutral and non-polar, at codon 26 of the EPM2A protein (p.Arg26Leu). This variant is not present in population databases (gnomAD no frequency). This variant has not been reported in the literature in individuals affected with EPM2A-related conditions. ClinVar contains an entry for this variant (Variation ID: 205442). Algorithms developed to predict the effect of missense changes on protein structure and function are either unavailable or do not agree on the potential impact of this missense change (SIFT: "Deleterious"; PolyPhen-2: "Possibly Damaging"; Align-GVGD: "Class C0"). In summary, the available evidence is currently insufficient to determine the role of this variant in disease. Therefore, it has been classified as a Variant of Uncertain Significance.

Ambry Genetics
Classification: Uncertain significance for Inborn genetic diseases. Last evaluated: 2018-11-17. Review status: criteria provided, single submitter. Criteria: Ambry Variant Classification Scheme 2023. Collection method: clinical testing. Allele origin: germline.
Comment: The p.R26L variant (also known as c.77G>T), located in coding exon 1 of the EPM2A gene, results from a G to T substitution at nucleotide position 77. The arginine at codon 26 is replaced by leucine, an amino acid with dissimilar properties. This amino acid position is highly conserved in available vertebrate species. In addition, the in silico prediction for this alteration is inconclusive. Since supporting evidence is limited at this time, the clinical significance of this alteration remains unclear.

NM_005670.4(EPM2A):c.77G>T (p.Arg26Leu)

Genes: EPM2A (EPM2A glucan phosphatase, laforin; minus strand), EPM2A-DT (EPM2A divergent transcript; plus strand), LOC129997381 (ATAC-STARR-seq lymphoblastoid silent region 17642; plus strand). Cytogenetic location: 6q24.3.
Variant type: single nucleotide variant.
Coding change: c.77G>T on transcript NM_005670.4 (MANE Select); coding-DNA position 77, G replaced by T.
Protein change: p.Arg26Leu; replaces arginine 26 with leucine.
Molecular consequence: missense variant. On other transcripts: 5 prime UTR variant (3), intron variant (1).
Genome position (GRCh38, 1-based): chr6:145,735,422, C>A on the plus strand (G>T on the coding strand, the complement: EPM2A is on the minus strand). VCF-style: chr6-145735422-C-A. GRCh37 (hg19) VCF-style: chr6-146056558-C-A.
Other names: p.R26L:CGG>CTG; c.77G>T, p.Arg26Leu (NM_001018041.2, NM_001360057.2, NM_001368130.1); c.-593G>T (NM_001360071.2); c.-547G>T (NM_001368129.2); c.-291G>T (NM_001368131.1); c.-114+486G>T (NM_001360064.2); short protein forms R26L.
Identifiers: ClinVar variation 205442 (VCV000205442.12), dbSNP rs796052433, ClinGen allele CA314516.
Genomic context (GRCh38, chr6:145,735,422, plus strand): 5'-GCGGTGCCGGCCGGCCTCAGGCGGACGGCACCGCGCGGCTCCCAACGCCCCAGCTCGGGC[C>A]GCGACCCCACCACCAGCAGCTCCGGCCGGGCGCCGGCCACGGCGGGTGGCACCACCACCC-3'
Protein context (NP_005661.1, residues 16-36): ARPELLVVGS[Arg26Leu]PELGRWEPRG